The following is an entry in ClinVar:

NM_001048174.2(MUTYH):c.1434+5G>A

Gene: MUTYH (mutY DNA glycosylase; minus strand). Cytogenetic location: 1p34.1.
Variant type: single nucleotide variant.
Coding change: c.1434+5G>A on transcript NM_001048174.2 (MANE Select); 5 bases into the intron after coding-DNA position 1434, G replaced by A.
Molecular consequence: intron variant.
Genome position (GRCh38, 1-based): chr1:45,330,511, C>T on the plus strand (G>A on the coding strand, the complement: MUTYH is on the minus strand). VCF-style: chr1-45330511-C-T. GRCh37 (hg19) VCF-style: chr1-45796183-C-T.
Other names: c.1089+5G>A (NM_001350651.2, NM_001350650.2); c.1158+5G>A (NM_001293192.2, NM_001293196.2); c.1434+5G>A (NM_001048171.2, NM_001048173.2, NM_001293195.2); c.1479+5G>A (NM_001293190.2); c.1509+5G>A (NM_012222.3); c.1518+5G>A (NM_001128425.2); c.1437+5G>A (NM_001048172.2); c.1467+5G>A (NM_001293191.2).
Identifiers: ClinVar variation 428283 (VCV000428283.13), dbSNP rs1114167686, ClinGen allele CA645369147.

ClinVar aggregate classification (germline): Uncertain significance. Review status: criteria provided, multiple submitters, no conflicts (2 of 4 stars). 2 submissions from 2 submitters: Uncertain significance (2). Last evaluated 2026-02-24.

Conditions:
Hereditary cancer-predisposing syndrome. Also called: Tumor predisposition; Hereditary Cancer Syndrome; Hereditary neoplastic syndrome; Neoplastic Syndromes, Hereditary. Identifiers: Orphanet 140162, MedGen C0027672, MeSH D009386, MONDO:0015356.
Familial adenomatous polyposis 2. Also called: COLORECTAL ADENOMATOUS POLYPOSIS, AUTOSOMAL RECESSIVE; MUTYH Polyposis; MUTYH-associated polyposis; MUTYH-related attenuated familial adenomatous polyposis; Adenomas, multiple colorectal; ADENOMAS, MULTIPLE COLORECTAL, AUTOSOMAL RECESSIVE. Identifiers: Orphanet 220460, Orphanet 247798, MedGen C3272841, MONDO:0012041, OMIM 608456.

Submissions (2):

Ambry Genetics
Classification: Uncertain significance for Hereditary cancer-predisposing syndrome. Last evaluated: 2026-02-24. Review status: criteria provided, single submitter. Criteria: Ambry Variant Classification Scheme 2023. Collection method: clinical testing. Allele origin: germline.
Comment: The c.1518+5G>A intronic variant results from a G to A substitution 5 nucleotides after coding exon 15 in the MUTYH gene. This nucleotide position is highly conserved in available vertebrate species. In silico splice site analysis predicts that this alteration will weaken the native splice donor site. Based on the available evidence, the clinical significance of this variant remains unclear.

Labcorp Genetics (formerly Invitae), Labcorp
Classification: Uncertain significance for Familial adenomatous polyposis 2. Last evaluated: 2020-10-20. Review status: criteria provided, single submitter. Criteria: Invitae Variant Classification Sherloc (09022015). Collection method: clinical testing. Allele origin: germline.
Comment: In summary, the available evidence is currently insufficient to determine the role of this variant in disease. Therefore, it has been classified as a Variant of Uncertain Significance. Nucleotide substitutions within the consensus splice site are a relatively common cause of aberrant splicing (PMID: 17576681, 9536098). Algorithms developed to predict the effect of sequence changes on RNA splicing suggest that this variant may disrupt the consensus splice site, but this prediction has not been confirmed by published transcriptional studies. This variant has not been reported in the literature in individuals with MUTYH-related conditions. ClinVar contains an entry for this variant (Variation ID: 428283). This variant is not present in population databases (ExAC no frequency). This sequence change falls in intron 15 of the MUTYH gene. It does not directly change the encoded amino acid sequence of the MUTYH protein. It affects a nucleotide within the consensus splice site of the intron.

Literature cited by the submitters: PubMed 25980754 (cited by Ambry Genetics); PubMed 17576681 (cited by Labcorp Genetics (formerly Invitae), Labcorp); PubMed 9536098 (cited by Labcorp Genetics (formerly Invitae), Labcorp).